The following is an entry in ClinVar:

NM_000426.4(LAMA2):c.2462C>A (p.Thr821Lys)

Gene: LAMA2 (laminin subunit alpha 2; plus strand). Cytogenetic location: 6q22.33.
Variant type: single nucleotide variant.
Coding change: c.2462C>A on transcript NM_000426.4 (MANE Select); coding-DNA position 2462, C replaced by A.
Protein change: p.Thr821Lys; replaces threonine 821 with lysine.
Molecular consequence: missense variant.
Genome position (GRCh38, 1-based): chr6:129,280,072, C>A. VCF-style: chr6-129280072-C-A. GRCh37 (hg19) VCF-style: chr6-129601217-C-A.
Other names: c.2462C>A, p.Thr821Lys (NM_001079823.2); short protein forms T821K.
Identifiers: ClinVar variation 4687688 (VCV004687688.1).
Genomic context (GRCh38, chr6:129,280,072, plus strand): 5'-TGTATGTCCTTCTTCCTTGTCCCTGTTTTCCGCAACAACATCAACATAGCTTTAGCCCAA[C>A]GTGCCATTTAGACCGGAGTCTTGGATTGATCTGTGATGGATGCCCTGTCGGGTACACAGG-3'
Protein context (NP_000417.3, residues 811-831): LNIPSNNFSP[Thr821Lys]CHLDRSLGLI

ClinVar aggregate classification (germline): Uncertain significance (1 of 4 stars; one submission).

gnomAD v4.1: 1 of 1,612,310 alleles (0.000062%); highest among the groups gnomAD compares: East Asian, 0.0022%; no homozygotes.

Submission:

Women's Health and Genetics/Laboratory Corporation of America, LabCorp
Classification: Uncertain significance. Last evaluated: 2025-10-28. Review status: criteria provided, single submitter. Criteria: LabCorp Variant Classification Summary - May 2015. Collection method: clinical testing. Allele origin: germline.
Comment: Variant summary: LAMA2 c.2462C>A (p.Thr821Lys) results in a non-conservative amino acid change in the encoded protein sequence. Algorithms developed to predict the effect of missense changes on protein structure and function are either unavailable or do not agree on the potential impact of this missense change. The variant was absent in 251274 control chromosomes. The available data on variant occurrences in the general population are insufficient to allow any conclusion about variant significance. To our knowledge, no occurrence of c.2462C>A in individuals affected with LAMA2-related conditions and no experimental evidence demonstrating its impact on protein function have been reported. No submitters have cited clinical-significance assessments for this variant to ClinVar. Based on the evidence outlined above, the variant was classified as uncertain significance.